The following is an entry in ClinVar:

NM_006231.4(POLE):c.6532G>A (p.Asp2178Asn)

Gene: POLE (DNA polymerase epsilon, catalytic subunit; minus strand). Cytogenetic location: 12q24.33.
Variant type: single nucleotide variant.
Coding change: c.6532G>A on transcript NM_006231.4 (MANE Select); coding-DNA position 6532, G replaced by A.
Protein change: p.Asp2178Asn; replaces aspartic acid 2178 with asparagine.
Molecular consequence: missense variant.
Genome position (GRCh38, 1-based): chr12:132,625,770, C>T on the plus strand (G>A on the coding strand, the complement: POLE is on the minus strand). VCF-style: chr12-132625770-C-T. GRCh37 (hg19) VCF-style: chr12-133202356-C-T.
Other names: short protein forms D2178N.
Identifiers: ClinVar variation 4672549 (VCV004672549.1).

ClinVar aggregate classification (germline): Uncertain significance (1 of 4 stars; one submission).

Conditions:
Hereditary cancer-predisposing syndrome. Also called: Neoplastic Syndromes, Hereditary; Tumor predisposition; Hereditary Cancer Syndrome; Hereditary neoplastic syndrome. Identifiers: Orphanet 140162, MedGen C0027672, MeSH D009386, MONDO:0015356.

Submission:

Ambry Genetics
Classification: Uncertain significance for Hereditary cancer-predisposing syndrome. Last evaluated: 2025-12-03. Review status: criteria provided, single submitter. Criteria: Ambry Variant Classification Scheme 2023. Collection method: clinical testing. Allele origin: germline.
Comment: The p.D2178N variant (also known as c.6532G>A) is located in coding exon 47 of the POLE gene. The aspartic acid at codon 2178 is replaced by asparagine, an amino acid with highly similar properties. This change occurs in the first base pair of coding exon 47. This amino acid position is highly conserved in available vertebrate species. In addition, this alteration is predicted to be tolerated by in silico analysis. Based on the available evidence, the clinical significance of this variant remains unclear.